The following is an entry in ClinVar:

NM_000182.5(HADHA):c.2132dup (p.Pro712fs)

Genes: GAREM2 (GRB2 associated regulator of MAPK1 subtype 2; plus strand), HADHA (hydroxyacyl-CoA dehydrogenase trifunctional multienzyme complex subunit alpha; minus strand). Cytogenetic location: 2p23.3.
Variant type: Duplication.
Coding change: c.2132dup on transcript NM_000182.5 (MANE Select); coding-DNA position 2132, one base duplicated (C; older notation c.2132dupC).
Protein change: p.Pro712fs; shifts the reading frame from proline 712.
Molecular consequence: frameshift variant.
Genome position (GRCh38, 1-based): chr2:26,191,497, G duplicated on the plus strand (C on the coding strand, the reverse complement: HADHA is on the minus strand); the first of 3 consecutive G bases (chr2:26,191,497-26,191,499); duplicating any one gives the same sequence. VCF-style (leftmost placement, unchanged base first): chr2-26191496-C-CG. GRCh37 (hg19) VCF-style: chr2-26414365-C-CG.
Other names: c.2132dupC (NM_000182.5); short protein forms P712fs.
Identifiers: ClinVar variation 8733 (VCV000008733.33), dbSNP rs1574600309, ClinGen allele CA913187423.

ClinVar aggregate classification (germline): Pathogenic/Likely pathogenic. Review status: criteria provided, multiple submitters, no conflicts (2 of 4 stars). 5 submissions from 5 submitters: Pathogenic (3); Likely pathogenic (1). 1 of the submissions does not count toward it. Last evaluated 2024-11-13.

Conditions:
Long chain 3-hydroxyacyl-CoA dehydrogenase deficiency. Also called: Deficiency of long-chain 3-hydroxyacyl-coenzyme A dehydrogenase; LCHAD Deficiency. Identifiers: Orphanet 5, MedGen C3711645, MONDO:0012173, OMIM 609016.
Mitochondrial trifunctional protein deficiency. Identifiers: Orphanet 746, MedGen C1969443, MONDO:0012172.

Submissions (5):

Women's Health and Genetics/Laboratory Corporation of America, LabCorp
Classification: Pathogenic for Long chain 3-hydroxyacyl-CoA dehydrogenase deficiency. Last evaluated: 2024-11-13. Review status: criteria provided, single submitter. Criteria: LabCorp Variant Classification Summary - May 2015. Collection method: clinical testing. Allele origin: germline.
Comment: Variant summary: HADHA c.2132dupC (p.Pro712AlafsX26) results in a premature termination codon, predicted to cause a truncation of the encoded protein, and multiple downtream truncating variants (example, c.2167_2168dup p.Thr745Serfs*8) are associated with disease. The variant was absent in 251222 control chromosomes. c.2132dupC has been reported in the literature in at-least one individual affected with Long Chain 3-Hydroxyacyl-CoA Dehydrogenase Deficiency (example, Ijlst_1997). To our knowledge, no experimental evidence demonstrating an impact on protein function has been reported. The following publication has been ascertained in the context of this evaluation (PMID: 9266371). ClinVar contains an entry for this variant (Variation ID: 8733). Based on the evidence outlined above, the variant was classified as pathogenic.

Baylor Genetics
Classification: Pathogenic for Long chain 3-hydroxyacyl-CoA dehydrogenase deficiency. Last evaluated: 2024-02-08. Review status: criteria provided, single submitter. Criteria: ACMG Guidelines, 2015. Collection method: clinical testing. Allele origin: unknown.

CeGaT Center for Human Genetics Tuebingen
Classification: Likely pathogenic. Last evaluated: 2023-05-01. Review status: criteria provided, single submitter. Criteria: CeGaT Center For Human Genetics Tuebingen Variant Classification Criteria Version 2. Collection method: clinical testing. Allele origin: germline. Affected: yes. Observed: 1 variant allele.
Comment: HADHA: PVS1:Strong, PM2, PM3

Labcorp Genetics (formerly Invitae), Labcorp
Classification: Pathogenic for Mitochondrial trifunctional protein deficiency; Long chain 3-hydroxyacyl-CoA dehydrogenase deficiency. Last evaluated: 2023-02-20. Review status: criteria provided, single submitter. Criteria: Invitae Variant Classification Sherloc (09022015). Collection method: clinical testing. Allele origin: germline.
Comment: For these reasons, this variant has been classified as Pathogenic. This variant disrupts a region of the HADHA protein in which other variant(s) (p.Thr745Serfs*8) have been determined to be pathogenic (Invitae). This suggests that this is a clinically significant region of the protein, and that variants that disrupt it are likely to be disease-causing. ClinVar contains an entry for this variant (Variation ID: 8733). This variant is also known as Phe-710→stop733. This premature translational stop signal has been observed in individual(s) with HADHA-related conditions (PMID: 9266371). This variant is not present in population databases (gnomAD no frequency). This sequence change creates a premature translational stop signal (p.Pro712Alafs*26) in the HADHA gene. While this is not anticipated to result in nonsense mediated decay, it is expected to disrupt the last 52 amino acid(s) of the HADHA protein.

OMIM
Classification: Pathogenic for LCHAD DEFICIENCY. Last evaluated: 1997-07-01. Review status: no assertion criteria provided. Collection method: literature only. Allele origin: germline. Not counted in ClinVar's aggregate classification.

Literature cited by the submitters: PubMed 9266371 (cited by 3 submitters).